The following is an entry in ClinVar:

NM_000070.3(CAPN3):c.1699G>A (p.Gly567Arg)

Gene: CAPN3 (calpain 3; plus strand). Cytogenetic location: 15q15.1.
Variant type: single nucleotide variant.
Coding change: c.1699G>A on transcript NM_000070.3 (MANE Select); coding-DNA position 1699, G replaced by A.
Protein change: p.Gly567Arg; replaces glycine 567 with arginine.
Molecular consequence: missense variant.
Genome position (GRCh38, 1-based): chr15:42,402,956, G>A. VCF-style: chr15-42402956-G-A. GRCh37 (hg19) VCF-style: chr15-42695154-G-A.
Other names: c.1699G>A, p.Gly567Arg (NM_024344.2); c.1555G>A, p.Gly519Arg (NM_173087.2); c.163G>A, p.Gly55Arg (NM_173088.2); short protein forms G519R, G55R, G567R.
Identifiers: ClinVar variation 4081603 (VCV004081603.1).

ClinVar aggregate classification (germline): Likely pathogenic (1 of 4 stars; one submission).

Conditions:
Autosomal recessive limb-girdle muscular dystrophy type 2A (LGMDR1). Also called: LEYDEN-MOEBIUS MUSCULAR DYSTROPHY; MUSCULAR DYSTROPHY, PELVOFEMORAL; Limb-girdle muscular dystrophy, type 2A; Calpainopathy; Muscular dystrophy, limb-girdle, type 2A, Amish. Identifiers: Orphanet 267, MedGen C1869123, MONDO:0009675, OMIM 253600. Disease mechanism: loss of function.

Submission:

Myriad Genetics, Inc.
Classification: Likely pathogenic for Autosomal recessive limb-girdle muscular dystrophy type 2A. Last evaluated: 2025-05-08. Review status: criteria provided, single submitter. Criteria: Myriad Autosomal Dominant, Autosomal Recessive and X-Linked Classification Criteria (2023). Collection method: clinical testing. Allele origin: unknown.
Comment: NM_000070.2(CAPN3):c.1699G>A(G567R) is a missense variant classified as likely pathogenic in the context of calpainopathy. G567R has been observed in cases with relevant disease (PMID: 27861222, 27671536). Relevant functional assessments of this variant are not available in the literature. Internal structural analysis of the variant is supportive of pathogenicity. G567R has not been observed in referenced population frequency databases. In summary, NM_000070.2(CAPN3):c.1699G>A(G567R) is a missense variant that has internal structural support for pathogenicity and has been observed more frequently in cases with the relevant disease than in healthy populations. Please note: this variant was assessed in the context of healthy population screening.

Literature cited by the submitters: PubMed 27671536; PubMed 27861222.